The following is an entry in ClinVar:

NM_004415.4(DSP):c.7648G>A (p.Gly2550Ser)

Gene: DSP (desmoplakin; plus strand). Cytogenetic location: 6p24.3.
Variant type: single nucleotide variant.
Coding change: c.7648G>A on transcript NM_004415.4 (MANE Select); coding-DNA position 7648, G replaced by A.
Protein change: p.Gly2550Ser; replaces glycine 2550 with serine.
Molecular consequence: missense variant.
Genome position (GRCh38, 1-based): chr6:7,584,910, G>A. VCF-style: chr6-7584910-G-A. GRCh37 (hg19) VCF-style: chr6-7585143-G-A.
Other names: c.5851G>A, p.Gly1951Ser (NM_001008844.3); c.6319G>A, p.Gly2107Ser (NM_001319034.2); short protein forms G1951S, G2107S, G2550S.
Identifiers: ClinVar variation 1430454 (VCV001430454.12), dbSNP rs781151826, ClinGen allele CA050354.

ClinVar aggregate classification (germline): Conflicting classifications of pathogenicity. Review status: criteria provided, conflicting classifications (1 of 4 stars). 4 submissions from 4 submitters: Uncertain significance (3); Likely benign (1). Last evaluated 2025-10-12.

Conditions:
Arrhythmogenic right ventricular dysplasia 8 (ARVD8). Also called: ARRHYTHMOGENIC RIGHT VENTRICULAR DYSPLASIA, FAMILIAL, 8; ARRHYTHMOGENIC RIGHT VENTRICULAR CARDIOMYOPATHY 8; Arrhythmogenic Right Ventricular Dysplasia/Cardiomyopathy 8. Identifiers: MedGen C1843896, MONDO:0011831, OMIM 607450.
Arrhythmogenic cardiomyopathy with wooly hair and keratoderma. Also called: Arrhythmogenic cardiomyopathy with woolly hair and keratoderma; PALMOPLANTAR KERATODERMA WITH LEFT VENTRICULAR CARDIOMYOPATHY AND WOOLLY HAIR; Carvajal syndrome; Dilated cardiomyopathy with woolly hair and keratoderma. Identifiers: Orphanet 65282, MedGen C1854063, MONDO:0011581, OMIM 605676.
Cardiomyopathy (CMYO). Also called: Cardiomyopathies. Identifiers: Orphanet 167848, MedGen C0878544, MONDO:0004994, HP:0001638. Inheritance: Various modes of inheritance.
Cardiovascular phenotype. Identifiers: MedGen CN230736.

Allele frequency attached by ClinVar (database versions not stated): TOPMed below 0.00001.
gnomAD v4.1: 24 of 1,614,186 alleles (0.0015%); highest among the groups gnomAD compares: South Asian, 0.0033%; no homozygotes.

Submissions (4):

Color Diagnostics, LLC DBA Color Health
Classification: Uncertain significance for Cardiomyopathy. Last evaluated: 2025-10-12. Review status: criteria provided, single submitter. Criteria: ACMG Guidelines, 2015. Collection method: clinical testing. Allele origin: germline.
Comment: This missense variant replaces glycine with serine at codon 2550 of the DSP protein. Computational prediction is inconclusive regarding the impact of this variant on protein structure and function. To our knowledge, functional studies have not been reported for this variant. This variant has not been reported in individuals affected with DSP-related disorders in the literature. This variant has been identified in 3/251492 chromosomes in the general population by the Genome Aggregation Database (gnomAD). The available evidence is insufficient to determine the role of this variant in disease conclusively. Therefore, this variant is classified as a Variant of Uncertain Significance.

Labcorp Genetics (formerly Invitae), Labcorp
Classification: Likely benign for Arrhythmogenic cardiomyopathy with wooly hair and keratoderma; Arrhythmogenic right ventricular dysplasia 8. Last evaluated: 2025-08-18. Review status: criteria provided, single submitter. Criteria: Invitae Variant Classification Sherloc (09022015). Collection method: clinical testing. Allele origin: germline.

All of Us Research Program, National Institutes of Health
Classification: Uncertain significance for Arrhythmogenic cardiomyopathy with wooly hair and keratoderma. Last evaluated: 2023-11-30. Review status: criteria provided, single submitter. Criteria: ACMG Guidelines, 2015. Collection method: clinical testing. Allele origin: germline. Inheritance: Autosomal dominant inheritance. Observed: 3 variant alleles, 3 heterozygotes.
Comment: This missense variant replaces glycine with serine at codon 2550 of the DSP protein. Computational prediction is inconclusive regarding the impact of this variant on protein structure and function (internally defined REVEL score threshold 0.5 < inconclusive < 0.7, PMID: 27666373). To our knowledge, functional studies have not been reported for this variant. This variant has not been reported in individuals affected with DSP-related disorders in the literature. This variant has been identified in 3/251492 chromosomes in the general population by the Genome Aggregation Database (gnomAD). The available evidence is insufficient to determine the role of this variant in disease conclusively. Therefore, this variant is classified as a Variant of Uncertain Significance.

This study involves interpretation of variants in research participants for the purpose of population health screening. Participant phenotype was not available at the time of variant classification. Additional details can be found in publication PMID: 35346344, PMCID: PMC8962531

Ambry Genetics
Classification: Uncertain significance for Cardiovascular phenotype. Last evaluated: 2022-06-19. Review status: criteria provided, single submitter. Criteria: Ambry Variant Classification Scheme 2023. Collection method: clinical testing. Allele origin: germline.
Comment: The p.G2550S variant (also known as c.7648G>A), located in coding exon 24 of the DSP gene, results from a G to A substitution at nucleotide position 7648. The glycine at codon 2550 is replaced by serine, an amino acid with similar properties. This amino acid position is conserved. In addition, the in silico prediction for this alteration is inconclusive. Since supporting evidence is limited at this time, the clinical significance of this alteration remains unclear.